The following is an entry in ClinVar:

ClinVar aggregate classification (germline): Likely pathogenic. Review status: criteria provided, multiple submitters, no conflicts (2 of 4 stars). 2 submissions from 2 submitters: Likely pathogenic (2). Last evaluated 2022-07-06.

Conditions:
Familial thoracic aortic aneurysm and aortic dissection (TAAD). Also called: Thoracic aortic aneurysms and dissections. Identifiers: Orphanet 91387, MedGen C4707243, MONDO:0019625.
Ehlers-Danlos syndrome, kyphoscoliotic type 1 (EDSKSCL1). Also called: EHLERS-DANLOS SYNDROME, OCULAR-SCOLIOTIC TYPE; Ehlers-Danlos syndrome, hydroxylysine-deficient; PLOD1-Related Kyphoscoliotic Ehlers-Danlos Syndrome; EHLERS-DANLOS SYNDROME, TYPE VIA. Identifiers: Orphanet 1900, MedGen C0268342, MONDO:0016002, OMIM 225400. Disease mechanism: loss of function.

Allele frequency attached by ClinVar (database versions not stated): gnomAD exomes below 0.00001; TOPMed below 0.00001; gnomAD 0.00001.
gnomAD v4.1: 3 of 1,595,750 alleles (0.00019%); highest among the groups gnomAD compares: East Asian, 0.0022%; no homozygotes.

Submissions (2):

Labcorp Genetics (formerly Invitae), Labcorp
Classification: Likely pathogenic for Ehlers-Danlos syndrome, kyphoscoliotic type 1. Last evaluated: 2022-07-06. Review status: criteria provided, single submitter. Criteria: Invitae Variant Classification Sherloc (09022015). Collection method: clinical testing. Allele origin: germline.
Comment: This variant is not present in population databases (gnomAD no frequency). In summary, the currently available evidence indicates that the variant is pathogenic, but additional data are needed to prove that conclusively. Therefore, this variant has been classified as Likely Pathogenic. Algorithms developed to predict the effect of sequence changes on RNA splicing suggest that this variant may disrupt the consensus splice site. ClinVar contains an entry for this variant (Variation ID: 520117). Disruption of this splice site has been observed in individual(s) with Ehlers-Danlos syndrome, kyphoscoliotic form (PMID: 21699693). This sequence change affects an acceptor splice site in intron 13 of the PLOD1 gene. It is expected to disrupt RNA splicing. Variants that disrupt the donor or acceptor splice site typically lead to a loss of protein function (PMID: 16199547), and loss-of-function variants in PLOD1 are known to be pathogenic (PMID: 10874315, 21699693).

Ambry Genetics
Classification: Likely pathogenic for Familial thoracic aortic aneurysm and aortic dissection. Last evaluated: 2017-05-04. Review status: criteria provided, single submitter. Criteria: Ambry Variant Classification Scheme 2023. Collection method: clinical testing. Allele origin: germline.
Comment: The c.1471-2A>G intronic variant results from an A to G substitution two nucleotides upstream from coding exon 14 in the PLOD1 gene. This nucleotide position is highly conserved in available vertebrate species. Using the BDGP and ESEfinder splice site prediction tools, this alteration is predicted to abolish the native splice acceptor site; however, direct evidence is unavailable. Alterations that disrupt the canonical splice site are expected to cause aberrant splicing, resulting in an abnormal protein or a transcript that is subject to nonsense-mediated mRNA decay. As such, this alteration is classified as likely pathogenic.

Literature cited by the submitters: PubMed 21699693 (cited by Labcorp Genetics (formerly Invitae), Labcorp); PubMed 16199547 (cited by Labcorp Genetics (formerly Invitae), Labcorp); PubMed 10874315 (cited by Labcorp Genetics (formerly Invitae), Labcorp).

NM_000302.4(PLOD1):c.1471-2A>G

Gene: PLOD1 (procollagen-lysine,2-oxoglutarate 5-dioxygenase 1; plus strand). Cytogenetic location: 1p36.22.
Variant type: single nucleotide variant.
Coding change: c.1471-2A>G on transcript NM_000302.4 (MANE Select); the canonical splice acceptor site of the intron before coding-DNA position 1471, A replaced by G.
Molecular consequence: splice acceptor variant.
Genome position (GRCh38, 1-based): chr1:11,965,478, A>G. VCF-style: chr1-11965478-A-G. GRCh37 (hg19) VCF-style: chr1-12025535-A-G.
Other names: c.1612-2A>G (NM_001316320.2).
Identifiers: ClinVar variation 520117 (VCV000520117.11), dbSNP rs1401035675, ClinGen allele CA338444307.
Genomic context (GRCh38, chr1:11,965,478, plus strand): 5'-GGAGGGGTGAGGGCAGGGGAGGGGTGGGGGAGCGCCTCTTCCACCGGGCCTGTCCTCCCC[A>G]GGATGTGTTCATGTTCCTGACCAACCGGCACACCCTTGGCCATCTGCTCTCCCTAGACAG-3'